The following is an entry in ClinVar:

ClinVar aggregate classification (germline): Uncertain significance (1 of 4 stars; one submission).

Allele frequency attached by ClinVar (database versions not stated): ExAC 0.00001; gnomAD exomes 0.00002.
gnomAD v4.1: 27 of 1,613,834 alleles (0.0017%); highest among the groups gnomAD compares: Non-Finnish European, 0.0022%; no homozygotes.

Submission:

Labcorp Genetics (formerly Invitae), Labcorp
Classification: Uncertain significance. Last evaluated: 2023-05-19. Review status: criteria provided, single submitter. Criteria: Invitae Variant Classification Sherloc (09022015). Collection method: clinical testing. Allele origin: germline.
Comment: In summary, the available evidence is currently insufficient to determine the role of this variant in disease. Therefore, it has been classified as a Variant of Uncertain Significance. Advanced modeling of protein sequence and biophysical properties (such as structural, functional, and spatial information, amino acid conservation, physicochemical variation, residue mobility, and thermodynamic stability) performed at Invitae indicates that this missense variant is not expected to disrupt ANK3 protein function. This variant has not been reported in the literature in individuals affected with ANK3-related conditions. This variant is present in population databases (rs776444593, gnomAD 0.004%). This sequence change replaces lysine, which is basic and polar, with glutamine, which is neutral and polar, at codon 2927 of the ANK3 protein (p.Lys2927Gln).

NM_020987.5(ANK3):c.8779A>C (p.Lys2927Gln)

Gene: ANK3 (ankyrin 3; minus strand). Cytogenetic location: 10q21.2.
Variant type: single nucleotide variant.
Coding change: c.8779A>C on transcript NM_020987.5 (MANE Select); coding-DNA position 8779, A replaced by C.
Protein change: p.Lys2927Gln; replaces lysine 2927 with glutamine.
Molecular consequence: missense variant. On other transcripts: intron variant (4).
Genome position (GRCh38, 1-based): chr10:60,072,102, T>G on the plus strand (A>C on the coding strand, the complement: ANK3 is on the minus strand). VCF-style: chr10-60072102-T-G. GRCh37 (hg19) VCF-style: chr10-61831860-T-G.
Other names: c.4388-4093A>C (NM_001204403.2); c.4409-4093A>C (NM_001204404.2); c.4406-4093A>C (NM_001320874.2); c.1808-4093A>C (NM_001149.4); short protein forms K2927Q.
Identifiers: ClinVar variation 2995476 (VCV002995476.3), dbSNP rs776444593, ClinGen allele CA5511490.